The following is an entry in ClinVar:

NM_001267550.2(TTN):c.86393G>A (p.Arg28798Lys)

Genes: TTN (titin; minus strand), TTN-AS1 (TTN antisense RNA 1; plus strand). Cytogenetic location: 2q31.2.
Variant type: single nucleotide variant.
Coding change: c.86393G>A on transcript NM_001267550.2 (MANE Select); coding-DNA position 86393, G replaced by A.
Protein change: p.Arg28798Lys; replaces arginine 28798 with lysine.
Molecular consequence: missense variant.
Genome position (GRCh38, 1-based): chr2:178,559,739, C>T on the plus strand (G>A on the coding strand, the complement: TTN is on the minus strand). VCF-style: chr2-178559739-C-T. GRCh37 (hg19) VCF-style: chr2-179424466-C-T.
Other names: c.59573G>A, p.Arg19858Lys (NM_133432.3); c.59774G>A, p.Arg19925Lys (NM_133437.4); c.78689G>A, p.Arg26230Lys (NM_133378.4); c.81470G>A, p.Arg27157Lys (NM_001256850.1); c.59198G>A, p.Arg19733Lys (NM_003319.4); short protein forms R26230K, R28798K, R27157K, R19858K, R19733K, R19925K.
Identifiers: ClinVar variation 229535 (VCV000229535.7), dbSNP rs781458689, ClinGen allele CA1988507.
Genomic context (GRCh38, chr2:178,559,739, plus strand): 5'-TTTCTGTTGGCATTTTCAATGGTCAGTGATGTACGAGAGTCTGTGGTATCAACATAAGCT[C>T]TAGTACGGAGGTCAGTGTCTGGCTTACTCCACAAGACATTGGGTACTGGTCTTCCTCGGA-3'
Protein context (NP_001254479.2, residues 28788-28808): WSKPDTDLRT[Arg28798Lys]AYVDTTDSRT

ClinVar aggregate classification (germline): Uncertain significance. Review status: criteria provided, multiple submitters, no conflicts (2 of 4 stars). 2 submissions from 2 submitters: Uncertain significance (2). Last evaluated 2020-09-18.

Conditions:
Cardiovascular phenotype. Identifiers: MedGen CN230736.

Allele frequency attached by ClinVar (database versions not stated): gnomAD 0.00001; gnomAD exomes 0.00001; ExAC 0.00002; 1000 Genomes Project 30x 0.00031.
gnomAD v4.1: 6 of 1,599,474 alleles (0.00038%); highest among the groups gnomAD compares: African/African-American, 0.0027%; no homozygotes.

Submissions (2):

Ambry Genetics
Classification: Uncertain significance for Cardiovascular phenotype. Last evaluated: 2020-09-18. Review status: criteria provided, single submitter. Criteria: Ambry Variant Classification Scheme 2023. Collection method: clinical testing. Allele origin: germline.
Comment: The p.R19733K variant (also known as c.59198G>A), located in coding exon 153 of the TTN gene, results from a G to A substitution at nucleotide position 59198. The arginine at codon 19733 is replaced by lysine, an amino acid with highly similar properties. This amino acid position is highly conserved in available vertebrate species. In addition, this alteration is predicted to be tolerated by in silico analysis. Since supporting evidence is limited at this time, the clinical significance of this alteration remains unclear.

Laboratory for Molecular Medicine, Mass General Brigham Personalized Medicine
Classification: Uncertain significance. Last evaluated: 2015-03-30. Review status: criteria provided, single submitter. Criteria: LMM Criteria. Collection method: clinical testing. Allele origin: germline. Observed: 1 variant allele.
Comment: The p.Arg26230Lys variant in TTN has not been previously reported in individuals with cardiomyopathy, but has been identified in 2/65408 European chromosomes by the Exome Aggregation Consortium (ExAC). Comput ational prediction tools and conservation analyses do not provide strong support for or against an impact to the protein. In summary, the clinical significance of the p.Arg26230Lys variant is uncertain.